The following is an entry in ClinVar:

NM_000540.3(RYR1):c.11609-13C>T

Gene: RYR1 (ryanodine receptor 1; plus strand). Cytogenetic location: 19q13.2.
Variant type: single nucleotide variant.
Coding change: c.11609-13C>T on transcript NM_000540.3 (MANE Select); 13 bases into the intron before coding-DNA position 11609, C replaced by T.
Molecular consequence: intron variant.
Genome position (GRCh38, 1-based): chr19:38,537,867, C>T. VCF-style: chr19-38537867-C-T. GRCh37 (hg19) VCF-style: chr19-39028507-C-T.
Other names: c.11594-13C>T (NM_001042723.2).
Identifiers: ClinVar variation 256410 (VCV000256410.14), dbSNP rs374885508, ClinGen allele CA057318.

ClinVar aggregate classification (germline): Benign/Likely benign. Review status: criteria provided, multiple submitters, no conflicts (2 of 4 stars). 6 submissions from 6 submitters: Benign (1); Likely benign (5). Last evaluated 2026-01-28.

Conditions:
RYR1-related disorder. Also called: RYR1-related condition; RYR1-related disorders. Identifiers: MedGen CN239331.
Malignant hyperthermia, susceptibility to, 1 (MHS1). Also called: RYR1-Related Malignant Hyperthermia Susceptibility; Anesthesia related hyperthermia; Malignant hyperpyrexia; Fulminating hyperpyrexia; Pharmacogenic myopathy; Malignant hyperthermia suceptibility 1. Identifiers: Orphanet 423, MedGen C2930980, MONDO:0007783, OMIM 145600.

Allele frequency attached by ClinVar (database versions not stated): gnomAD 0.00069 and 0.00061; ESP Exome Variant Server 0.00077; gnomAD exomes 0.00004 and 0.00013; ExAC 0.00013; 1000 Genomes Project 30x 0.00016; 1000 Genomes Project 0.00020; TOPMed 0.00063.
gnomAD v4.1: 155 of 1,613,530 alleles (0.0096%); highest among the groups gnomAD compares: African/African-American, 0.19%; no homozygotes.

Submissions (6):

Labcorp Genetics (formerly Invitae), Labcorp
Classification: Benign for RYR1-related disorder. Last evaluated: 2026-01-28. Review status: criteria provided, single submitter. Criteria: Invitae Variant Classification Sherloc (09022015). Collection method: clinical testing. Allele origin: germline.

All of Us Research Program, National Institutes of Health
Classification: Likely benign for Malignant hyperthermia, susceptibility to, 1. Last evaluated: 2024-02-05. Review status: criteria provided, single submitter. Criteria: ACMG Guidelines, 2015. Collection method: clinical testing. Allele origin: germline. Inheritance: Autosomal dominant inheritance. Observed: 26 variant alleles, 26 heterozygotes.
Comment: This study involves interpretation of variants in research participants for the purpose of population health screening. Participant phenotype was not available at the time of variant classification. Additional details can be found in publication PMID: 35346344, PMCID: PMC8962531

Blueprint Genetics
Classification: Likely benign. Last evaluated: 2022-12-21. Review status: criteria provided, single submitter. Criteria: ACMG Guidelines, 2015. Collection method: clinical testing. Allele origin: germline.

Color Diagnostics, LLC DBA Color Health
Classification: Likely benign for Malignant hyperthermia, susceptibility to, 1. Last evaluated: 2022-11-06. Review status: criteria provided, single submitter. Criteria: ACMG Guidelines, 2015. Collection method: clinical testing. Allele origin: germline.

GeneDx
Classification: Likely benign. Last evaluated: 2018-03-28. Review status: criteria provided, single submitter. Criteria: GeneDx Variant Classification (06012015). Collection method: clinical testing. Allele origin: germline. Affected: yes.
Comment: This variant is considered likely benign or benign based on one or more of the following criteria: it is a conservative change, it occurs at a poorly conserved position in the protein, it is predicted to be benign by multiple in silico algorithms, and/or has population frequency not consistent with disease.

PreventionGenetics, part of Exact Sciences
Classification: Likely benign. Review status: criteria provided, single submitter. Criteria: ACMG Guidelines, 2015. Collection method: clinical testing. Allele origin: germline.